The following is an entry in ClinVar:

NM_001320.7(CSNK2B):c.303C>G (p.Tyr101Ter)

Gene: CSNK2B (casein kinase 2 beta; plus strand). Cytogenetic location: 6p21.33.
Variant type: single nucleotide variant.
Coding change: c.303C>G on transcript NM_001320.7 (MANE Select); coding-DNA position 303, C replaced by G.
Protein change: p.Tyr101Ter; replaces tyrosine 101 with a stop codon.
Molecular consequence: nonsense.
Genome position (GRCh38, 1-based): chr6:31,669,108, C>G. VCF-style: chr6-31669108-C-G. GRCh37 (hg19) VCF-style: chr6-31636885-C-G.
Other names: c.303C>G, p.Tyr101Ter (NM_001282385.2); short protein forms Y101*.
Identifiers: ClinVar variation 973336 (VCV000973336.2), dbSNP rs1802000840, ClinGen allele CA363474481.

ClinVar aggregate classification (germline): Pathogenic/Likely pathogenic. Review status: criteria provided, multiple submitters, no conflicts (2 of 4 stars). 2 submissions from 2 submitters: Pathogenic (1); Likely pathogenic (1). Last evaluated 2023-05-16.

Conditions:
CSNK2B-related disorder. Also called: CSNK2B-related condition.
Poirier-Bienvenu neurodevelopmental syndrome (POBINDS). Identifiers: Orphanet 689397, MedGen C5231482, MONDO:0032889, OMIM 618732.

Submissions (2):

Blueprint Genetics
Classification: Pathogenic for CSNK2B-related disorders. Last evaluated: 2023-05-16. Review status: criteria provided, single submitter. Criteria: ACMG Guidelines, 2015. Collection method: clinical testing. Allele origin: germline. Affected: yes. Observed: 1 variant allele.

UNC Molecular Genetics  Laboratory, University of North Carolina at Chapel Hill
Classification: Likely pathogenic for Poirier-Bienvenu neurodevelopmental syndrome. Review status: criteria provided, single submitter. Criteria: ACMG Guidelines, 2015. Collection method: research. Allele origin: de novo. Observed: 1 variant allele. Study: CSER_NCGENES_2.
Comment: The CSNK2B p.Tyr101* nonsense variant introduces a premature stop codon in exon 5 of 7 total exons and is predicted to cause loss of normal protein function either through nonsense-mediated mRNA decay or protein truncation. This apparently novel variant has not been reported in any control population or patient databases.